The following is an entry in ClinVar:

NM_001009944.3(PKD1):c.9697dup (p.Glu3233fs)

Gene: PKD1 (polycystin 1, transient receptor potential channel interacting; minus strand). Cytogenetic location: 16p13.3.
Variant type: Duplication.
Coding change: c.9697dup on transcript NM_001009944.3 (MANE Select); coding-DNA position 9697, one base duplicated (G; older notation c.9697dupG).
Protein change: p.Glu3233fs; shifts the reading frame from glutamic acid 3233.
Molecular consequence: frameshift variant.
Genome position (GRCh38, 1-based): chr16:2,100,181, C duplicated on the plus strand (G on the coding strand, the reverse complement: PKD1 is on the minus strand); the first of 2 consecutive C bases (chr16:2,100,181-2,100,182); duplicating either gives the same sequence. VCF-style (leftmost placement, unchanged base first): chr16-2100180-T-TC. GRCh37 (hg19) VCF-style: chr16-2150181-T-TC.
Other names: c.9697dup, p.Glu3233fs (NM_000296.4); short protein forms E3233fs.
Identifiers: ClinVar variation 3236048 (VCV003236048.1), dbSNP rs2544715201, ClinGen allele CA2825002363.
Genomic context (GRCh38, chr16:2,100,180, plus strand): 5'-CCCTGCCCAACCTCCCACGGAGTGGGAACATGGAACGAGGCCTTACTCGCGGCCAGCACC[T>TC]CCTTCTCCACCAGGCCCCCGTTGGCCTCCGTCTCCACCGAAAGCCAGTCATTGACCAGGA-3'

ClinVar aggregate classification (germline): Likely pathogenic (1 of 4 stars; one submission).

Conditions:
Polycystic kidney disease, adult type (PKD1). Also called: Polycystic Kidney Disease 1, Autosomal Dominant; Polycystic kidney disease 1; Polycystic kidney disease 1, severe; Polycystic Kidney, Autosomal Dominant; POLYCYSTIC KIDNEY DISEASE 1 WITH OR WITHOUT POLYCYSTIC LIVER DISEASE; POLYCYSTIC KIDNEY DISEASE, ADULT, TYPE I. Identifiers: MedGen C3149841, MONDO:0008263, OMIM 173900.

Submission:

MVZ Medizinische Genetik Mainz
Classification: Likely pathogenic for Polycystic kidney disease, adult type. Last evaluated: 2023-04-11. Review status: criteria provided, single submitter. Criteria: UK Practice Guidelines For Variant Classification V4 01 2020. Collection method: clinical testing. Allele origin: germline. Inheritance: Autosomal dominant inheritance. Affected: yes. Observed: 1 variant allele.
Comment: ACMG Criteria: PVS1,PM2_SUP